The following is an entry in ClinVar:

NM_206933.4(USH2A):c.3529delinsACT (p.Gly1177fs)

Genes: USH2A (usherin; minus strand), USH2A-AS1 (USH2A antisense RNA 1; plus strand). Cytogenetic location: 1q41.
Variant type: Indel.
Coding change: c.3529delinsACT on transcript NM_206933.4 (MANE Select); coding-DNA position 3529, G replaced by ACT.
Protein change: p.Gly1177fs; shifts the reading frame from glycine 1177.
Molecular consequence: frameshift variant.
Genome position (GRCh38, 1-based): chr1:216,199,909, C replaced by AGT on the plus strand (G replaced by ACT on the coding strand, the reverse complement: USH2A is on the minus strand). VCF-style: chr1-216199909-C-AGT. GRCh37 (hg19) VCF-style: chr1-216373251-C-AGT.
Other names: c.3529delinsACT, p.Gly1177fs (NM_007123.6); short protein forms G1177fs.
Identifiers: ClinVar variation 5011498 (VCV005011498.1).

ClinVar aggregate classification (germline): Pathogenic (1 of 4 stars; one submission).

Conditions:
USH2A-related disorder. Also called: USH2A-related condition; USH2A-related disorders. Identifiers: MedGen CN239332.

Submission:

Myriad Genetics, Inc.
Classification: Pathogenic for USH2A-related disorder. Last evaluated: 2023-08-31. Review status: criteria provided, single submitter. Criteria: Myriad Autosomal Dominant, Autosomal Recessive and X-Linked Classification Criteria (2023). Collection method: clinical testing. Allele origin: unknown.
Comment: NM_206933.2(USH2A):c.3529delGinsACT(G1177Tfs*4) is expected to be pathogenic in the context of USH2A-related disorders. This variant is predicted to lead to an abnormal or absent protein product due to the creation of a premature termination codon in USH2A, a gene where loss-of-function variants are known to be pathogenic. Please note: this variant was assessed in the context of healthy population screening.